The following is an entry in ClinVar:

ClinVar aggregate classification (germline): Conflicting classifications of pathogenicity. Review status: criteria provided, conflicting classifications (1 of 4 stars). 4 submissions from 4 submitters: Uncertain significance (3); Likely benign (1). Last evaluated 2025-08-16.

Conditions:
Cardiovascular phenotype. Identifiers: MedGen CN230736.
Catecholaminergic polymorphic ventricular tachycardia (CVPT). Also called: Catecholamine-induced polymorphic ventricular tachycardia. Identifiers: Orphanet 3286, MedGen C5574922, MONDO:0017990.
Catecholaminergic polymorphic ventricular tachycardia 1. Also called: VENTRICULAR TACHYCARDIA, CATECHOLAMINERGIC POLYMORPHIC, 1, WITH OR WITHOUT ATRIAL DYSFUNCTION AND/OR DILATED CARDIOMYOPATHY; VENTRICULAR TACHYCARDIA, STRESS-INDUCED POLYMORPHIC 1; RYR2-Related Catecholaminergic Polymorphic Ventricular Tachycardia. Identifiers: Orphanet 3286, MedGen C1631597, MONDO:0011484, OMIM 604772.
Cardiomyopathy (CMYO). Also called: Cardiomyopathies. Identifiers: Orphanet 167848, MedGen C0878544, MONDO:0004994, HP:0001638. Inheritance: Various modes of inheritance.

Allele frequency attached by ClinVar (database versions not stated): gnomAD 0.00001; gnomAD exomes 0.00001; TOPMed 0.00003.
gnomAD v4.1: 6 of 1,583,718 alleles (0.00038%); highest among the groups gnomAD compares: South Asian, 0.0034%; no homozygotes.

Submissions (4):

Labcorp Genetics (formerly Invitae), Labcorp
Classification: Likely benign for Catecholaminergic polymorphic ventricular tachycardia 1. Last evaluated: 2025-08-16. Review status: criteria provided, single submitter. Criteria: Invitae Variant Classification Sherloc (09022015). Collection method: clinical testing. Allele origin: germline.

All of Us Research Program, National Institutes of Health
Classification: Uncertain significance for Catecholaminergic polymorphic ventricular tachycardia. Last evaluated: 2024-09-23. Review status: criteria provided, single submitter. Criteria: ACMG Guidelines, 2015. Collection method: clinical testing. Allele origin: germline. Inheritance: Autosomal dominant inheritance. Observed: 1 variant allele, 1 heterozygote.
Comment: This missense variant replaces lysine with glutamic acid at codon 4418 of the RYR2 protein. Computational prediction suggests that this variant may not impact protein structure and function (internally defined REVEL score threshold <= 0.5, PMID: 27666373). To our knowledge, functional studies have not been reported for this variant. This variant has not been reported in individuals affected with cardiovascular disorders in the literature. This variant has been identified in 2/196500 chromosomes in the general population by the Genome Aggregation Database (gnomAD). The available evidence is insufficient to determine the role of this variant in disease conclusively. Therefore, this variant is classified as a Variant of Uncertain Significance.

This study involves interpretation of variants in research participants for the purpose of population health screening. Participant phenotype was not available at the time of variant classification. Additional details can be found in publication PMID: 35346344, PMCID: PMC8962531

Ambry Genetics
Classification: Uncertain significance for Cardiovascular phenotype. Last evaluated: 2024-08-11. Review status: criteria provided, single submitter. Criteria: Ambry Variant Classification Scheme 2023. Collection method: clinical testing. Allele origin: germline.
Comment: The p.K4418E variant (also known as c.13252A>G), located in coding exon 90 of the RYR2 gene, results from an A to G substitution at nucleotide position 13252. The lysine at codon 4418 is replaced by glutamic acid, an amino acid with similar properties. This amino acid position is well conserved in available vertebrate species. In addition, the in silico prediction for this alteration is inconclusive. Based on the available evidence, the clinical significance of this variant remains unclear.

Color Diagnostics, LLC DBA Color Health
Classification: Uncertain significance for Cardiomyopathy. Last evaluated: 2024-03-06. Review status: criteria provided, single submitter. Criteria: ACMG Guidelines, 2015. Collection method: clinical testing. Allele origin: germline.
Comment: This missense variant replaces lysine with glutamic acid at codon 4418 of the RYR2 protein. Computational prediction suggests that this variant may not impact protein structure and function (internally defined REVEL score threshold <= 0.5, PMID: 27666373). To our knowledge, functional studies have not been reported for this variant. This variant has not been reported in individuals affected with cardiovascular disorders in the literature. This variant has been identified in 2/196500 chromosomes in the general population by the Genome Aggregation Database (gnomAD). The available evidence is insufficient to determine the role of this variant in disease conclusively. Therefore, this variant is classified as a Variant of Uncertain Significance.

NM_001035.3(RYR2):c.13252A>G (p.Lys4418Glu)

Genes: RYR2 (ryanodine receptor 2; plus strand), LOC126806068 (BRD4-independent group 4 enhancer GRCh37_chr1:237947411-237948610; plus strand). Cytogenetic location: 1q43.
Variant type: single nucleotide variant.
Coding change: c.13252A>G on transcript NM_001035.3 (MANE Select); coding-DNA position 13252, A replaced by G.
Protein change: p.Lys4418Glu; replaces lysine 4418 with glutamic acid.
Molecular consequence: missense variant.
Genome position (GRCh38, 1-based): chr1:237,784,964, A>G. VCF-style: chr1-237784964-A-G. GRCh37 (hg19) VCF-style: chr1-237948264-A-G.
Other names: c.13252A>G (NM_001035.2); short protein forms K4418E.
Identifiers: ClinVar variation 1332070 (VCV001332070.12), dbSNP rs1029442866, ClinGen allele CA39828338.